The following is an entry in ClinVar:

ClinVar aggregate classification (germline): Likely benign (1 of 4 stars; one submission).

Submission:

GeneDx
Classification: Likely benign. Last evaluated: 2018-04-09. Review status: criteria provided, single submitter. Criteria: GeneDx Variant Classification (06012015). Collection method: clinical testing. Allele origin: germline. Affected: yes.
Comment: This variant is considered likely benign or benign based on one or more of the following criteria: it is a conservative change, it occurs at a poorly conserved position in the protein, it is predicted to be benign by multiple in silico algorithms, and/or has population frequency not consistent with disease.

NM_000256.3(MYBPC3):c.2068-12C>G

Gene: MYBPC3 (myosin binding protein C3; minus strand). Cytogenetic location: 11p11.2.
Variant type: single nucleotide variant.
Coding change: c.2068-12C>G on transcript NM_000256.3 (MANE Select); 12 bases into the intron before coding-DNA position 2068, C replaced by G.
Molecular consequence: intron variant.
Genome position (GRCh38, 1-based): chr11:47,339,416, G>C on the plus strand (C>G on the coding strand, the complement: MYBPC3 is on the minus strand). VCF-style: chr11-47339416-G-C. GRCh37 (hg19) VCF-style: chr11-47360967-G-C.
Identifiers: ClinVar variation 681735 (VCV000681735.1), dbSNP rs1595844728, ClinGen allele CA915948151.